The following is an entry in ClinVar:

NM_000318.3(PEX2):c.455_456insG (p.Ile152fs)

Gene: PEX2 (peroxisomal biogenesis factor 2; minus strand). Cytogenetic location: 8q21.13.
Variant type: Insertion.
Coding change: c.455_456insG on transcript NM_000318.3 (MANE Select); coding-DNA positions 455 to 456, G inserted.
Protein change: p.Ile152fs; shifts the reading frame from isoleucine 152.
Molecular consequence: frameshift variant.
Genome position: GRCh38 VCF-style: chr8-76983723-A-AC. GRCh37 (hg19) VCF-style: chr8-77895959-A-AC.
Other names: c.455_456insG, p.Ile152fs (NM_001079867.2, NM_001172086.2, NM_001172087.2); short protein forms I152fs.
Identifiers: ClinVar variation 1458316 (VCV001458316.6), dbSNP rs2132043966, ClinGen allele CA2573143380.

ClinVar aggregate classification (germline): Pathogenic (1 of 4 stars; one submission).

Conditions:
Peroxisome biogenesis disorder 5A (Zellweger) (PBD5A). Identifiers: Orphanet 912, MedGen C3553940, MONDO:0013932, OMIM 614866.

Submission:

Labcorp Genetics (formerly Invitae), Labcorp
Classification: Pathogenic for Peroxisome biogenesis disorder 5A (Zellweger). Last evaluated: 2021-10-21. Review status: criteria provided, single submitter. Criteria: Invitae Variant Classification Sherloc (09022015). Collection method: clinical testing. Allele origin: germline.
Comment: For these reasons, this variant has been classified as Pathogenic. This variant disrupts a region of the PEX2 protein in which other variant(s) (p.Lys215Serfs*2) have been determined to be pathogenic (PMID: 10652207; Invitae). This suggests that this is a clinically significant region of the protein, and that variants that disrupt it are likely to be disease-causing. Algorithms developed to predict the effect of sequence changes on RNA splicing suggest that this variant may create or strengthen a splice site. This variant has not been reported in the literature in individuals affected with PEX2-related conditions. This variant is not present in population databases (gnomAD no frequency). This sequence change creates a premature translational stop signal (p.Ile152Metfs*2) in the PEX2 gene. While this is not anticipated to result in nonsense mediated decay, it is expected to disrupt the last 154 amino acid(s) of the PEX2 protein.

Literature cited by the submitters: PubMed 10652207.